The following is an entry in ClinVar:

ClinVar aggregate classification (germline): Likely pathogenic (1 of 4 stars; one submission).

Conditions:
Familial dysfibrinogenemia. Also called: Dysfibrinogenemia, congenital. Identifiers: Orphanet 335, Orphanet 98881, MedGen C0272350, MONDO:0014452, OMIM 616004.

gnomAD v4.1: 8 of 1,613,838 alleles (0.0005%); highest among the groups gnomAD compares: Admixed American, 0.0067%; no homozygotes.

Submission:

Molecular Genetics and NGS Laboratory, Hospital Fundacion Valle Del Lili
Classification: Likely pathogenic for Familial dysfibrinogenemia. Last evaluated: 2024-08-14. Review status: criteria provided, single submitter. Criteria: ACMG Guidelines, 2015. Collection method: clinical testing. Allele origin: germline. Affected: yes. Observed: 1 variant allele.
Comment: Null variant (nonsense) in gene FGA. Loss-of-function is a known mechanism of disease. The truncated region contains 29 pathogenic variants (PVS1).GnomAD genomes homozygous allele count = 0. GnomAD exomes homozygous allele count = 0 (PM1).

NM_021871.4(FGA):c.541C>T (p.Arg181Ter)

Gene: FGA (fibrinogen alpha chain; minus strand). Cytogenetic location: 4q31.3.
Variant type: single nucleotide variant.
Coding change: c.541C>T on transcript NM_021871.4 (MANE Select); coding-DNA position 541, C replaced by T.
Protein change: p.Arg181Ter; replaces arginine 181 with a stop codon.
Molecular consequence: nonsense.
Genome position (GRCh38, 1-based): chr4:154,586,888, G>A on the plus strand (C>T on the coding strand, the complement: FGA is on the minus strand). VCF-style: chr4-154586888-G-A. GRCh37 (hg19) VCF-style: chr4-155508040-G-A.
Other names: p.Arg181Ter; c.541C>T, p.Arg181Ter (NM_000508.5); short protein forms R181*.
Identifiers: ClinVar variation 3338289 (VCV003338289.2).